The following is an entry in ClinVar:

ClinVar aggregate classification (germline): drug response (0 of 4 stars; one submission).

Conditions:
Corticosteroids response. Also called: Corticosteroid response.

Allele frequency attached by ClinVar (database versions not stated): ExAC 0.00005.

Submission:

Genetic Testing Lab, Ashok and Rita Patel Institute of Integrated Study and Research in Biotechnology and Allied Sciences
Classification: drug response for Corticosteroid response. Last evaluated: 2020-01-12. Review status: no assertion criteria provided. Collection method: research. Allele origin: somatic. Affected: yes. Observed: 37 variant alleles.
Comment: Depending upon response to standard corticosteroid therapy, patients were classified to be either Steroid resistant (SRNS) or steroid sensitive (SSNS). Patients in remission within 4 weeks of corticosteroid therapy were classified as steroid sensitive nephrotic syndrome (SSNS). Patients not in remission within 4 weeks of corticosteroid therapy were classified as Steroid resistant nephrotic syndrome (SRNS).

NM_004998.4(MYO1E):c.847C>T (p.Leu283Phe)

Gene: MYO1E (myosin IE; minus strand). Cytogenetic location: 15q22.2.
Variant type: single nucleotide variant.
Coding change: c.847C>T on transcript NM_004998.4 (MANE Select); coding-DNA position 847, C replaced by T.
Protein change: p.Leu283Phe; replaces leucine 283 with phenylalanine.
Molecular consequence: missense variant.
Genome position (GRCh38, 1-based): chr15:59,223,122, G>A on the plus strand (C>T on the coding strand, the complement: MYO1E is on the minus strand). VCF-style: chr15-59223122-G-A. GRCh37 (hg19) VCF-style: chr15-59515321-G-A.
Other names: short protein forms L283F.
Identifiers: ClinVar variation 981937 (VCV000981937.2), dbSNP rs758689659, ClinGen allele CA7590178.